The following is an entry in ClinVar:

NM_001042432.2(CLN3):c.67C>T (p.Pro23Ser)

Gene: CLN3 (CLN3 lysosomal/endosomal transmembrane protein, battenin; minus strand). Cytogenetic location: 16p12.1.
Variant type: single nucleotide variant.
Coding change: c.67C>T on transcript NM_001042432.2 (MANE Select); coding-DNA position 67, C replaced by T.
Protein change: p.Pro23Ser; replaces proline 23 with serine.
Molecular consequence: missense variant. On other transcripts: intron variant (3).
Genome position (GRCh38, 1-based): chr16:28,491,540, G>A on the plus strand (C>T on the coding strand, the complement: CLN3 is on the minus strand). VCF-style: chr16-28491540-G-A. GRCh37 (hg19) VCF-style: chr16-28502861-G-A.
Other names: c.67C>T, p.Pro23Ser (NM_000086.2, NM_001286104.2); c.-38+174C>T (NM_001286109.2, NM_001286110.2); c.-96+174C>T (NM_001286105.2); short protein forms P23S.
Identifiers: ClinVar variation 409280 (VCV000409280.6), dbSNP rs757558651, ClinGen allele CA7981084.

ClinVar aggregate classification (germline): Uncertain significance. Review status: criteria provided, multiple submitters, no conflicts (2 of 4 stars). 2 submissions from 2 submitters: Uncertain significance (2). Last evaluated 2022-09-27.

Conditions:
Neuronal ceroid lipofuscinosis. Also called: Neuronal Ceroid Lipofuscinoses. Identifiers: Orphanet 216, Orphanet 79263, MedGen C0027877, MONDO:0016295. Disease mechanism: loss of function.

Allele frequency attached by ClinVar (database versions not stated): gnomAD 0.00001; ExAC 0.00003; gnomAD exomes 0.00003; TOPMed 0.00003.
gnomAD v4.1: 5 of 1,613,984 alleles (0.00031%); highest among the groups gnomAD compares: East Asian, 0.0067%; no homozygotes.

Submissions (2):

Labcorp Genetics (formerly Invitae), Labcorp
Classification: Uncertain significance for Neuronal ceroid lipofuscinosis. Last evaluated: 2022-09-27. Review status: criteria provided, single submitter. Criteria: Invitae Variant Classification Sherloc (09022015). Collection method: clinical testing. Allele origin: germline.
Comment: This sequence change replaces proline, which is neutral and non-polar, with serine, which is neutral and polar, at codon 23 of the CLN3 protein (p.Pro23Ser). This variant is present in population databases (rs757558651, gnomAD 0.02%). This variant has not been reported in the literature in individuals affected with CLN3-related conditions. ClinVar contains an entry for this variant (Variation ID: 409280). Algorithms developed to predict the effect of missense changes on protein structure and function output the following: SIFT: "Tolerated"; PolyPhen-2: "Benign"; Align-GVGD: "Class C0". The serine amino acid residue is found in multiple mammalian species, which suggests that this missense change does not adversely affect protein function. In summary, the available evidence is currently insufficient to determine the role of this variant in disease. Therefore, it has been classified as a Variant of Uncertain Significance.

Blueprint Genetics
Classification: Uncertain significance. Last evaluated: 2021-09-24. Review status: criteria provided, single submitter. Criteria: ACMG Guidelines, 2015. Collection method: clinical testing. Allele origin: germline.